The following is an entry in ClinVar:

ClinVar aggregate classification (germline): Uncertain significance (1 of 4 stars; one submission).

Submission:

GeneDx
Classification: Uncertain significance. Last evaluated: 2023-03-30. Review status: criteria provided, single submitter. Criteria: GeneDx Variant Classification Process June 2021. Collection method: clinical testing. Allele origin: germline. Affected: yes.
Comment: Not observed at significant frequency in large population cohorts (gnomAD); In silico analysis supports that this missense variant does not alter protein structure/function; In silico analysis is inconclusive as to whether the variant alters gene splicing. In the absence of RNA/functional studies, the actual effect of this sequence change is unknown.; Has not been previously published as pathogenic or benign to our knowledge

NM_001374828.1(ARID1B):c.1618G>C (p.Ala540Pro)

Gene: ARID1B (AT-rich interaction domain 1B; plus strand). Cytogenetic location: 6q25.3.
Variant type: single nucleotide variant.
Coding change: c.1618G>C on transcript NM_001374828.1 (MANE Select); coding-DNA position 1618, G replaced by C.
Protein change: p.Ala540Pro; replaces alanine 540 with proline.
Molecular consequence: missense variant.
Genome position (GRCh38, 1-based): chr6:156,779,298, G>C. VCF-style: chr6-156779298-G-C. GRCh37 (hg19) VCF-style: chr6-157100432-G-C.
Other names: c.1369G>C, p.Ala457Pro (NM_001346813.1, NM_020732.3); c.1618G>C, p.Ala540Pro (NM_001371656.1, NM_001374820.1, NM_017519.3); c.1195G>C, p.Ala399Pro (NM_175863.2); short protein forms A399P, A457P, A540P.
Identifiers: ClinVar variation 2582195 (VCV002582195.1), dbSNP rs2115001638, ClinGen allele CA366385149.
Genomic context (GRCh38, chr6:156,779,298, plus strand): 5'-TACCCCGAGTACAGCAGCCCCAGCGCGCCGCCGCCGCCGCCGTCGCAGCCCCAGTCCCAG[G>C]CGGCGGCGGCGGGGGCGGCGGCGGGCGGCCAGCAGGCGGCCGCGGGCATGGGCTTGGGCA-3'
Protein context (NP_001361757.1, residues 530-550): PPPPSQPQSQ[Ala540Pro]AAAGAAAGGQ